The following is an entry in ClinVar:

ClinVar aggregate classification (germline): Uncertain significance (1 of 4 stars; one submission).

Allele frequency attached by ClinVar (database versions not stated): gnomAD exomes below 0.00001 and 0.00001; TOPMed below 0.00001.
gnomAD v4.1: 6 of 1,613,336 alleles (0.00037%); highest among the groups gnomAD compares: Admixed American, 0.0067%; no homozygotes.

Submission:

Labcorp Genetics (formerly Invitae), Labcorp
Classification: Uncertain significance. Last evaluated: 2022-08-21. Review status: criteria provided, single submitter. Criteria: Invitae Variant Classification Sherloc (09022015). Collection method: clinical testing. Allele origin: germline.
Comment: This sequence change replaces asparagine, which is neutral and polar, with serine, which is neutral and polar, at codon 3528 of the USH2A protein (p.Asn3528Ser). This variant is present in population databases (no rsID available, gnomAD 0.01%). This missense change has been observed in individual(s) with clinical features of USH2A-related conditions (Invitae). ClinVar contains an entry for this variant (Variation ID: 1024685). Algorithms developed to predict the effect of missense changes on protein structure and function are either unavailable or do not agree on the potential impact of this missense change (SIFT: "Deleterious"; PolyPhen-2: "Probably Damaging"; Align-GVGD: "Class C0"). Algorithms developed to predict the effect of sequence changes on RNA splicing suggest that this variant may disrupt the consensus splice site. In summary, the available evidence is currently insufficient to determine the role of this variant in disease. Therefore, it has been classified as a Variant of Uncertain Significance.

NM_206933.4(USH2A):c.10583A>G (p.Asn3528Ser)

Gene: USH2A (usherin; minus strand). Cytogenetic location: 1q41.
Variant type: single nucleotide variant.
Coding change: c.10583A>G on transcript NM_206933.4 (MANE Select); coding-DNA position 10583, A replaced by G.
Protein change: p.Asn3528Ser; replaces asparagine 3528 with serine.
Molecular consequence: missense variant.
Genome position (GRCh38, 1-based): chr1:215,782,740, T>C on the plus strand (A>G on the coding strand, the complement: USH2A is on the minus strand). VCF-style: chr1-215782740-T-C. GRCh37 (hg19) VCF-style: chr1-215956082-T-C.
Other names: short protein forms N3528S.
Identifiers: ClinVar variation 1024685 (VCV001024685.6), dbSNP rs1353682085, ClinGen allele CA344837243.